The following is an entry in ClinVar:

NM_004360.5(CDH1):c.1350C>G (p.Tyr450Ter)

Gene: CDH1 (cadherin 1; plus strand). Cytogenetic location: 16q22.1.
Variant type: single nucleotide variant.
Coding change: c.1350C>G on transcript NM_004360.5 (MANE Select); coding-DNA position 1350, C replaced by G.
Protein change: p.Tyr450Ter; replaces tyrosine 450 with a stop codon.
Molecular consequence: nonsense. On other transcripts: 5 prime UTR variant (2).
Genome position (GRCh38, 1-based): chr16:68,815,544, C>G. VCF-style: chr16-68815544-C-G. GRCh37 (hg19) VCF-style: chr16-68849447-C-G.
Other names: c.1167C>G, p.Tyr389Ter (NM_001317184.2); c.-199C>G (NM_001317185.2); c.-470C>G (NM_001317186.2); short protein forms Y389*, Y450*.
Identifiers: ClinVar variation 2583405 (VCV002583405.2), dbSNP rs2152134724, ClinGen allele CA396462747.

ClinVar aggregate classification (germline): Pathogenic (1 of 4 stars; one submission).

Conditions:
Hereditary diffuse gastric adenocarcinoma (HDGC). Also called: DIFFUSE GASTRIC AND LOBULAR BREAST CANCER SYNDROME. Identifiers: Orphanet 26106, MedGen C1708349, MONDO:0007648, OMIM 137215.

Submission:

Myriad Genetics, Inc.
Classification: Pathogenic for Hereditary diffuse gastric adenocarcinoma. Last evaluated: 2023-06-13. Review status: criteria provided, single submitter. Criteria: Myriad Autosomal Dominant, Autosomal Recessive and X-Linked Classification Criteria (2023). Collection method: clinical testing. Allele origin: unknown.
Comment: This variant is considered pathogenic. This variant creates a termination codon and is predicted to result in premature protein truncation.